The following is an entry in ClinVar:

GRCh38/hg38 2q32.3-33.1(chr2:194515159-198545937)x1

Genes: ANKRD44 (ankyrin repeat domain 44; minus strand), ANKRD44-AS1 (ANKRD44 antisense RNA 1; plus strand), ANKRD44-IT1 (ANKRD44 intronic transcript 1; minus strand), BOLL (boule homolog, RNA binding protein; minus strand), C2orf66 (chromosome 2 open reading frame 66; minus strand) and 115 more. Cytogenetic location: 2q32.3-33.1.
Variant type: copy number loss.
Change: copy number 1 (one copy instead of two) of chr2:194,515,159-198,545,937 (4.03 Mb, GRCh38 coordinates, 1-based), cytogenetic band 2q32.3-33.1.
Identifiers: ClinVar variation 57395 (VCV000057395.1).

ClinVar aggregate classification (germline): Pathogenic (1 of 4 stars; one submission).

Submission:

ISCA site 4
Classification: Pathogenic. Last evaluated: 2011-08-12. Review status: criteria provided, single submitter. Criteria: Kaminsky et al. (Genet Med. 2011). Collection method: clinical testing. Allele origin: de novo. Affected: yes. Observed: 1 variant allele.
Comment: Copy number variation identified through the course of routine clinical cytogenomic testing in postnatal populations. Clinical assertions have been curated as described in Kaminsky et al. 2011.